The following is an entry in ClinVar:

ClinVar aggregate classification (germline): other (0 of 4 stars; one submission).

Conditions:
Familial colorectal cancer. Identifiers: MedGen CN280943, MONDO:0023113. Disease mechanism: loss of function.

Submission:

Systems Biology Platform Zhejiang California International NanoSystems Institute
Classification: other for Familial colorectal cancer. Review status: no assertion criteria provided. Collection method: not provided. Allele origin: unknown.
ClinVar note: Converted during submission from cancer to other.

NM_000038.6(APC):c.136-217C>A

Gene: APC (APC regulator of WNT signaling pathway; plus strand). Cytogenetic location: 5q22.2.
Variant type: single nucleotide variant.
Coding change: c.136-217C>A on transcript NM_000038.6 (MANE Select); 217 bases into the intron before coding-DNA position 136, C replaced by A.
Molecular consequence: intron variant.
Genome position (GRCh38, 1-based): chr5:112,766,109, C>A. VCF-style: chr5-112766109-C-A. GRCh37 (hg19) VCF-style: chr5-112101806-C-A.
Other names: c.136-217C>A (NM_001354895.2, NM_001127510.3, NM_001354896.2 and 2 more transcripts); c.166-217C>A (NM_001354897.2, NM_001354902.2, NM_001127511.3); c.61-217C>A (NM_001354898.2, NM_001354904.2); c.-900-217C>A (NM_001354906.2); c.-42-217C>A (NM_001354900.2, NM_001354901.2, NM_001354905.2).
Identifiers: ClinVar variation 82398 (VCV000082398.2), dbSNP rs75348204, ClinGen allele CA004538.